The following is an entry in ClinVar:

ClinVar aggregate classification (germline): Uncertain significance (1 of 4 stars; one submission).

Conditions:
Ataxia-telangiectasia syndrome (AT). Also called: ATAXIA-TELANGIECTASIA, FRESNO VARIANT; Ataxia-telangiectasia, complementation group D; AT, COMPLEMENTATION GROUP C; Cerebello-oculocutaneous telangiectasia; Immunodeficiency with ataxia telangiectasia; Ataxia telangiectasia (A-T). Identifiers: Orphanet 100, MedGen C0004135, MONDO:0008840, OMIM 208900.

Submission:

Labcorp Genetics (formerly Invitae), Labcorp
Classification: Uncertain significance for Ataxia-telangiectasia syndrome. Last evaluated: 2022-05-30. Review status: criteria provided, single submitter. Criteria: Invitae Variant Classification Sherloc (09022015). Collection method: clinical testing. Allele origin: germline.
Comment: In summary, the available evidence is currently insufficient to determine the role of this variant in disease. Therefore, it has been classified as a Variant of Uncertain Significance. Advanced modeling of protein sequence and biophysical properties (such as structural, functional, and spatial information, amino acid conservation, physicochemical variation, residue mobility, and thermodynamic stability) performed at Invitae indicates that this missense variant is not expected to disrupt ATM protein function. ClinVar contains an entry for this variant (Variation ID: 1021369). This variant has not been reported in the literature in individuals affected with ATM-related conditions. This variant is not present in population databases (gnomAD no frequency). This sequence change replaces lysine, which is basic and polar, with threonine, which is neutral and polar, at codon 1701 of the ATM protein (p.Lys1701Thr).

NM_000051.4(ATM):c.5102A>C (p.Lys1701Thr)

Gene: ATM (ATM serine/threonine kinase; plus strand). Cytogenetic location: 11q22.3.
Variant type: single nucleotide variant.
Coding change: c.5102A>C on transcript NM_000051.4 (MANE Select); coding-DNA position 5102, A replaced by C.
Protein change: p.Lys1701Thr; replaces lysine 1701 with threonine.
Molecular consequence: missense variant.
Genome position (GRCh38, 1-based): chr11:108,299,810, A>C. VCF-style: chr11-108299810-A-C. GRCh37 (hg19) VCF-style: chr11-108170537-A-C.
Other names: c.5102A>C, p.Lys1701Thr (NM_001351834.2); short protein forms K1701T.
Identifiers: ClinVar variation 1021369 (VCV001021369.8), dbSNP rs2083330722, ClinGen allele CA382540733.